The following is an entry in ClinVar:

ClinVar aggregate classification (germline): Uncertain significance. Review status: criteria provided, multiple submitters, no conflicts (2 of 4 stars). 2 submissions from 2 submitters: Uncertain significance (2). Last evaluated 2026-01-11.

Conditions:
Hereditary cancer-predisposing syndrome. Also called: Hereditary Cancer Syndrome; Hereditary neoplastic syndrome; Neoplastic Syndromes, Hereditary; Tumor predisposition. Identifiers: Orphanet 140162, MedGen C0027672, MeSH D009386, MONDO:0015356.
BAP1-related tumor predisposition syndrome (TPDS1). Also called: BAP1 tumor predisposition syndrome; COMMON Syndrome; TUMOR PREDISPOSITION SYNDROME 1; Tumor susceptibility linked to germline BAP1 mutations. Identifiers: Orphanet 289539, MedGen C3280492, MONDO:0013692, OMIM 614327.

Allele frequency attached by ClinVar (database versions not stated): gnomAD 0.00001; TOPMed 0.00002.
gnomAD v4.1: 3 of 1,600,140 alleles (0.00019%); highest among the groups gnomAD compares: African/African-American, 0.0013%; no homozygotes.

Submissions (2):

Labcorp Genetics (formerly Invitae), Labcorp
Classification: Uncertain significance for BAP1-related tumor predisposition syndrome. Last evaluated: 2026-01-11. Review status: criteria provided, single submitter. Criteria: Invitae Variant Classification Sherloc (09022015). Collection method: clinical testing. Allele origin: germline.
Comment: This sequence change replaces arginine, which is basic and polar, with cysteine, which is neutral and slightly polar, at codon 728 of the BAP1 protein (p.Arg728Cys). This variant is not present in population databases (gnomAD no frequency). This variant has not been reported in the literature in individuals affected with BAP1-related conditions. ClinVar contains an entry for this variant (Variation ID: 1062466). Invitae Evidence Modeling of protein sequence and biophysical properties (such as structural, functional, and spatial information, amino acid conservation, physicochemical variation, residue mobility, and thermodynamic stability) indicates that this missense variant is not expected to disrupt BAP1 protein function with a negative predictive value of 80%. In summary, the available evidence is currently insufficient to determine the role of this variant in disease. Therefore, it has been classified as a Variant of Uncertain Significance.

Ambry Genetics
Classification: Uncertain significance for Hereditary cancer-predisposing syndrome. Last evaluated: 2024-08-02. Review status: criteria provided, single submitter. Criteria: Ambry Variant Classification Scheme 2023. Collection method: clinical testing. Allele origin: germline.
Comment: The p.R728C variant (also known as c.2182C>T), located in coding exon 17 of the BAP1 gene, results from a C to T substitution at nucleotide position 2182. The arginine at codon 728 is replaced by cysteine, an amino acid with highly dissimilar properties. This amino acid position is highly conserved in available vertebrate species. In addition, this alteration is predicted to be deleterious by in silico analysis. Based on the available evidence, the clinical significance of this variant remains unclear.

NM_004656.4(BAP1):c.2182C>T (p.Arg728Cys)

Gene: BAP1 (BRCA1 associated deubiquitinase 1; minus strand). Cytogenetic location: 3p21.1.
Variant type: single nucleotide variant.
Coding change: c.2182C>T on transcript NM_004656.4 (MANE Select); coding-DNA position 2182, C replaced by T.
Protein change: p.Arg728Cys; replaces arginine 728 with cysteine.
Molecular consequence: missense variant.
Genome position (GRCh38, 1-based): chr3:52,402,296, G>A on the plus strand (C>T on the coding strand, the complement: BAP1 is on the minus strand). VCF-style: chr3-52402296-G-A. GRCh37 (hg19) VCF-style: chr3-52436312-G-A.
Other names: short protein forms R728C.
Identifiers: ClinVar variation 1062466 (VCV001062466.8), dbSNP rs1704980796, ClinGen allele CA353093871.